The following is an entry in ClinVar:

ClinVar aggregate classification (germline): Uncertain significance (1 of 4 stars; one submission).

Conditions:
Cone-rod dystrophy 6 (CORD6). Also called: RETINAL CONE DYSTROPHY 2; Cone dystrophy progressive. Identifiers: Orphanet 1872, MedGen C1866293, MONDO:0011143, OMIM 601777.
Leber congenital amaurosis 1 (LCA1). Also called: AMAUROSIS CONGENITA OF LEBER I; RETINAL BLINDNESS, CONGENITAL; Congenital absence of the rods and cones; Leber's congenital tapetoretinal degeneration; Leber's congenital tapetoretinal dysplasia. Identifiers: Orphanet 65, MedGen C2931258, MONDO:0008764, OMIM 204000.

Submission:

Labcorp Genetics (formerly Invitae), Labcorp
Classification: Uncertain significance for Leber congenital amaurosis 1; Cone-rod dystrophy 6. Last evaluated: 2022-08-09. Review status: criteria provided, single submitter. Criteria: Invitae Variant Classification Sherloc (09022015). Collection method: clinical testing. Allele origin: germline.
Comment: This variant is not present in population databases (gnomAD no frequency). This sequence change replaces phenylalanine, which is neutral and non-polar, with leucine, which is neutral and non-polar, at codon 730 of the GUCY2D protein (p.Phe730Leu). This missense change has been observed in individual(s) with autosomal recessive Leber congenital amaurosis (PMID: 32141364). In summary, the available evidence is currently insufficient to determine the role of this variant in disease. Therefore, it has been classified as a Variant of Uncertain Significance. Algorithms developed to predict the effect of missense changes on protein structure and function are either unavailable or do not agree on the potential impact of this missense change (SIFT: "Deleterious"; PolyPhen-2: "Possibly Damaging"; Align-GVGD: "Class C15").

Literature cited by the submitters: PubMed 32141364.

NM_000180.4(GUCY2D):c.2190T>A (p.Phe730Leu)

Gene: GUCY2D (guanylate cyclase 2D, retinal; plus strand). Cytogenetic location: 17p13.1.
Variant type: single nucleotide variant.
Coding change: c.2190T>A on transcript NM_000180.4 (MANE Select); coding-DNA position 2190, T replaced by A.
Protein change: p.Phe730Leu; replaces phenylalanine 730 with leucine.
Molecular consequence: missense variant.
Genome position (GRCh38, 1-based): chr17:8,013,179, T>A. VCF-style: chr17-8013179-T-A. GRCh37 (hg19) VCF-style: chr17-7916497-T-A.
Other names: short protein forms F730L.
Identifiers: ClinVar variation 1918150 (VCV001918150.5), dbSNP rs2545424828, ClinGen allele CA397952882.